The following is an entry in ClinVar:

ClinVar aggregate classification (germline): Likely benign (1 of 4 stars; one submission).

Conditions:
Complement component 3 deficiency. Identifiers: Orphanet 280133, MedGen C3151071, MONDO:0013417, OMIM 613779.
C3 glomerulonephritis. Also called: Nephropathy due to CFHR5 Deficiency; C3 GLOMERULOPATHY 3. Identifiers: Orphanet 329931, MedGen C4055342, MONDO:0013892, OMIM 614809.
Atypical hemolytic-uremic syndrome. Identifiers: Orphanet 2134, MedGen C2931788, MONDO:0016244.

gnomAD v4.1: 1,230 of 1,583,538 alleles (0.078%); highest among the groups gnomAD compares: East Asian, 0.083%; 11 homozygotes.

Submission:

Genomenon, Inc
Classification: Likely benign for Complement component 3 deficiency; C3 glomerulonephritis; Atypical hemolytic-uremic syndrome. Last evaluated: 2025-09-30. Review status: criteria provided, single submitter. Criteria: Genomenon Sequence Variant Interpretation Standards. Collection method: curation. Allele origin: germline. Affected: no.
Comment: C3 c.75-39G>T is an intronic variant located in intron 1. This variant has been reported in the published literature (PMID:28611769). This variant’s allele frequency in gnomAD is greater than expected for this disorder. In conclusion, we classify C3 c.75-39G>T as a likely benign variant.

Literature cited by the submitters: PubMed 28611769.

NM_000064.4(C3):c.75-39G>T

Gene: C3 (complement C3; minus strand). Cytogenetic location: 19p13.3.
Variant type: single nucleotide variant.
Coding change: c.75-39G>T on transcript NM_000064.4 (MANE Select); 39 bases into the intron before coding-DNA position 75, G replaced by T.
Molecular consequence: intron variant.
Genome position (GRCh38, 1-based): chr19:6,719,442, C>A on the plus strand (G>T on the coding strand, the complement: C3 is on the minus strand). VCF-style: chr19-6719442-C-A. GRCh37 (hg19) VCF-style: chr19-6719453-C-A.
Identifiers: ClinVar variation 4280190 (VCV004280190.1).